The following is an entry in ClinVar:

ClinVar aggregate classification (germline): Uncertain significance (1 of 4 stars; one submission).

Conditions:
Medulloblastoma (MDB). Also called: MEDULLOBLASTOMA PREDISPOSITION SYNDROME; Medulloblastoma, somatic. Identifiers: Orphanet 616, MedGen C0025149, MeSH D008527, MONDO:0007959, OMIM 155255, HP:0002885.

Submission:

St. Jude Molecular Pathology, St. Jude Children's Research Hospital
Classification: Uncertain significance for Medulloblastoma. Last evaluated: 2026-02-20. Review status: criteria provided, single submitter. Criteria: St. Jude Assertion Criteria 2020. Collection method: clinical testing. Allele origin: germline.
Comment: The GPR161 c.682_684del p.(Val228del) change deletes three nucleotides at position 682 to 684 resulting in an in-frame deletion of one amino acid residue. This variant has a maximum subpopulation frequency of 0.0026% in gnomAD v2.1.1. To our knowledge, this variant has not been reported in individuals with medulloblastoma. In summary, the evidence currently available is insufficient to determine the clinical significance of this variant. It has therefo re been classified as of uncertain significance.

NM_001375883.1(GPR161):c.679GTC[1] (p.Val228del)

Gene: GPR161 (G protein-coupled receptor 161; minus strand). Cytogenetic location: 1q24.2.
Variant type: Microsatellite.
Coding change: c.679GTC[1] on transcript NM_001375883.1 (MANE Select); one copy of the 3-base unit GTC starting at c.679; the reference has two copies in a row; one copy, 3 bases deleted.
Protein change: p.Val228del; deletes valine 228.
Genome position (GRCh38, 1-based): chr1:168,096,923-168,096,925, GAC deleted on the plus strand (GTC on the coding strand, the reverse complement: GPR161 is on the minus strand); deleting any 3 consecutive bases within chr1:168,096,923-168,096,928 gives the same sequence; the position shown is the placement nearest the transcript's 3' end. VCF-style (leftmost placement, unchanged base first): chr1-168096922-TGAC-T. GRCh37 (hg19) VCF-style: chr1-168066160-TGAC-T.
Other names: c.739GTC[1], p.Val248del (NM_001267609.1); c.679GTC[1], p.Val228del (NM_001267610.2, NM_001349632.1, NM_001349633.1 and 5 more transcripts); c.730GTC[1], p.Val245del (NM_001267611.1); c.283GTC[1], p.Val96del (NM_001267612.2, NM_001349635.1); c.445GTC[1], p.Val150del (NM_001267613.1); c.337GTC[1], p.Val114del (NM_001267614.1); short protein forms V114del, V150del, V228del, V245del, V248del, V96del.
Identifiers: ClinVar variation 4813178 (VCV004813178.1).
Genomic context (GRCh38, chr1:168,096,922, plus strand): 5'-AAGAGGAGGTGGAGGTGCTGGAGTTCTTCCTCCCGGTCCTCTGAGCATCCTCCTCCACGA[TGAC>T]GACTGTGCCACAGTGCACCTTGCGTGCCTTGACCCTGGCCACGCGGAAGATGAAGCCATA-3'